The following is an entry in ClinVar:

NM_003242.6(TGFBR2):c.1658C>T (p.Ser553Leu)

Gene: TGFBR2 (transforming growth factor beta receptor 2; plus strand). Cytogenetic location: 3p24.1.
Variant type: single nucleotide variant.
Coding change: c.1658C>T on transcript NM_003242.6 (MANE Select); coding-DNA position 1658, C replaced by T.
Protein change: p.Ser553Leu; replaces serine 553 with leucine.
Molecular consequence: missense variant.
Genome position (GRCh38, 1-based): chr3:30,691,553, C>T. VCF-style: chr3-30691553-C-T. GRCh37 (hg19) VCF-style: chr3-30733045-C-T.
Other names: c.1733C>T, p.Ser578Leu (NM_001024847.3); c.1841C>T, p.Ser614Leu (NM_001407126.1); c.1766C>T, p.Ser589Leu (NM_001407127.1); c.1685C>T, p.Ser562Leu (NM_001407128.1); c.1661C>T, p.Ser554Leu (NM_001407129.1); c.1655C>T, p.Ser552Leu (NM_001407130.1); c.1553C>T, p.Ser518Leu (NM_001407132.1, NM_001407133.1, NM_001407134.1 and 2 more transcripts); c.1373C>T, p.Ser458Leu (NM_001407137.1); and 2 more; short protein forms S553L, S578L, S589L, S458L, S518L, S552L, S554L, S562L.
Identifiers: ClinVar variation 920030 (VCV000920030.13), dbSNP rs569635708, ClinGen allele CA2294235.
Genomic context (GRCh38, chr3:30,691,553, plus strand): 5'-GTGTGGCAGAACGCTTCAGTGAGCTGGAGCATCTGGACAGGCTCTCGGGGAGGAGCTGCT[C>T]GGAGGAGAAGATTCCTGAAGACGGCTCCCTAAACACTACCAAATAGCTCTTCTGGGGCAG-3'
Protein context (NP_003233.4, residues 543-563): HLDRLSGRSC[Ser553Leu]EEKIPEDGSL

ClinVar aggregate classification (germline): Uncertain significance. Review status: criteria provided, multiple submitters, no conflicts (2 of 4 stars). 4 submissions from 4 submitters: Uncertain significance (4). Last evaluated 2025-07-09.

Conditions:
Loeys-Dietz syndrome 2 (LDS2). Also called: TGFBR2-Related Loeys-Dietz Syndrome; AORTIC ANEURYSM, FAMILIAL THORACIC 3; MARFAN SYNDROME, TYPE II; Marfan Syndrome type 2; Marfan like connective tissue disorder; MFS 2. Identifiers: Orphanet 284973, Orphanet 558, MedGen C2674574, MONDO:0012427, OMIM 610168.
Familial thoracic aortic aneurysm and aortic dissection (TAAD). Also called: Thoracic aortic aneurysms and dissections. Identifiers: Orphanet 91387, MedGen C4707243, MONDO:0019625.

Allele frequency attached by ClinVar (database versions not stated): ExAC 0.00001; gnomAD 0.00001 and 0.00002; gnomAD exomes 0.00002; 1000 Genomes Project 0.00020; 1000 Genomes Project 30x 0.00031.
gnomAD v4.1: 26 of 1,614,094 alleles (0.0016%); highest among the groups gnomAD compares: African/African-American, 0.0067%; no homozygotes.

Submissions (4):

Labcorp Genetics (formerly Invitae), Labcorp
Classification: Uncertain significance for Familial thoracic aortic aneurysm and aortic dissection. Last evaluated: 2025-07-09. Review status: criteria provided, single submitter. Criteria: Invitae Variant Classification Sherloc (09022015). Collection method: clinical testing. Allele origin: germline.
Comment: This sequence change replaces serine, which is neutral and polar, with leucine, which is neutral and non-polar, at codon 553 of the TGFBR2 protein (p.Ser553Leu). This variant is present in population databases (rs569635708, gnomAD 0.01%). This missense change has been observed in individual(s) with thoracic aortic aneurysm (PMID: 29543232). ClinVar contains an entry for this variant (Variation ID: 920030). Invitae Evidence Modeling of protein sequence and biophysical properties (such as structural, functional, and spatial information, amino acid conservation, physicochemical variation, residue mobility, and thermodynamic stability) has been performed for this missense variant. However, the output from this modeling did not meet the statistical confidence thresholds required to predict the impact of this variant on TGFBR2 protein function. In summary, the available evidence is currently insufficient to determine the role of this variant in disease. Therefore, it has been classified as a Variant of Uncertain Significance.

All of Us Research Program, National Institutes of Health
Classification: Uncertain significance for Loeys-Dietz syndrome 2. Last evaluated: 2024-07-10. Review status: criteria provided, single submitter. Criteria: ACMG Guidelines, 2015. Collection method: clinical testing. Allele origin: germline. Inheritance: Autosomal dominant inheritance. Observed: 3 variant alleles, 3 heterozygotes.
Comment: This missense variant replaces serine with leucine at codon 553 of the TGFBR2 protein. Computational prediction is inconclusive regarding the impact of this variant on protein structure and function (internally defined REVEL score threshold 0.5 < inconclusive < 0.7, PMID: 27666373). To our knowledge, functional studies have not been reported for this variant. This variant has been reported in an individual affected with thoracic aortic aneurysms and aortic dissection (PMID: 29543232). This variant has been identified in 4/251200 chromosomes in the general population by the Genome Aggregation Database (gnomAD). The available evidence is insufficient to determine the role of this variant in disease conclusively. Therefore, this variant is classified as a Variant of Uncertain Significance.

This study involves interpretation of variants in research participants for the purpose of population health screening. Participant phenotype was not available at the time of variant classification. Additional details can be found in publication PMID: 35346344, PMCID: PMC8962531

Color Diagnostics, LLC DBA Color Health
Classification: Uncertain significance for Familial thoracic aortic aneurysm and aortic dissection. Last evaluated: 2024-06-13. Review status: criteria provided, single submitter. Criteria: ACMG Guidelines, 2015. Collection method: clinical testing. Allele origin: germline.
Comment: This missense variant replaces serine with leucine at codon 553 of the TGFBR2 protein. Computational prediction tools indicate that this variant's impact on protein structure and function is inconclusive. To our knowledge, functional studies have not been reported for this variant. This variant has been reported in an individual affected with thoracic aortic aneurysms and aortic dissection (PMID: 29543232). This variant has been identified in 4/251200 chromosomes in the general population by the Genome Aggregation Database (gnomAD). The available evidence is insufficient to determine the role of this variant in disease conclusively. Therefore, this variant is classified as a Variant of Uncertain Significance.

GeneDx
Classification: Uncertain significance. Last evaluated: 2020-03-09. Review status: criteria provided, single submitter. Criteria: GeneDx Variant Classification Process June 2021. Collection method: clinical testing. Allele origin: germline. Affected: yes.
Comment: Identified in a patient with an aortic aneurysm in the published literature (Weerakkody et al., 2018); Not observed at a significant frequency in large population cohorts (Lek et al., 2016); In silico analysis supports that this missense variant does not alter protein structure/function; This variant is associated with the following publications: (PMID: 29543232)

Literature cited by the submitters: PubMed 29543232 (cited by 3 submitters).